The following is an entry in ClinVar:

NM_139073.5(SPATA3):c.262G>A (p.Asp88Asn)

Gene: SPATA3 (spermatogenesis associated 3; plus strand). Cytogenetic location: 2q37.1.
Variant type: single nucleotide variant.
Coding change: c.262G>A on transcript NM_139073.5 (MANE Select); coding-DNA position 262, G replaced by A.
Protein change: p.Asp88Asn; replaces aspartic acid 88 with asparagine.
Molecular consequence: missense variant.
Genome position (GRCh38, 1-based): chr2:230,996,495, G>A. VCF-style: chr2-230996495-G-A. GRCh37 (hg19) VCF-style: chr2-231861210-G-A.
Other names: short protein forms D88N.
Identifiers: ClinVar variation 2651993 (VCV002651993.24), dbSNP rs149976648, ClinGen allele CA2158628.

ClinVar aggregate classification (germline): Likely benign (1 of 4 stars; one submission).

Allele frequency attached by ClinVar (database versions not stated): 1000 Genomes Project 30x 0.00109; 1000 Genomes Project 0.00140; ExAC 0.00300; TOPMed 0.00414; gnomAD 0.00423; ESP Exome Variant Server 0.00504.
gnomAD v4.1: 9,721 of 1,552,174 alleles (0.63%); highest among the groups gnomAD compares: Non-Finnish European, 0.78%; 46 homozygotes.

Submission:

CeGaT Center for Human Genetics Tuebingen
Classification: Likely benign. Last evaluated: 2023-03-01. Review status: criteria provided, single submitter. Criteria: CeGaT Center For Human Genetics Tuebingen Variant Classification Criteria Version 2. Collection method: clinical testing. Allele origin: germline. Affected: yes. Observed: 1 variant allele.
Comment: SPATA3: BP4, BS2